The following is an entry in ClinVar:

ClinVar aggregate classification (germline): Likely benign (1 of 4 stars; one submission).

Submission:

GeneDx
Classification: Likely benign. Last evaluated: 2016-07-21. Review status: criteria provided, single submitter. Criteria: GeneDx Variant Classification (06012015). Collection method: clinical testing. Allele origin: germline. Affected: yes.
Comment: This variant is considered likely benign or benign based on one or more of the following criteria: it is a conservative change, it occurs at a poorly conserved position in the protein, it is predicted to be benign by multiple in silico algorithms, and/or has population frequency not consistent with disease.

NM_007194.4(CHEK2):c.504C>T (p.Thr168=)

Gene: CHEK2 (checkpoint kinase 2; minus strand). Cytogenetic location: 22q12.1.
Variant type: single nucleotide variant.
Coding change: c.504C>T on transcript NM_007194.4 (MANE Select); coding-DNA position 504, C replaced by T.
Protein change: p.Thr168=; no amino-acid change (threonine 168 retained).
Molecular consequence: synonymous variant. On other transcripts: 5 prime UTR variant (2), intron variant (1).
Genome position (GRCh38, 1-based): chr22:28,725,065, G>A on the plus strand (C>T on the coding strand, the complement: CHEK2 is on the minus strand). VCF-style: chr22-28725065-G-A. GRCh37 (hg19) VCF-style: chr22-29121053-G-A.
Other names: c.633C>T, p.Thr211= (NM_001005735.3, NM_001438294.1); c.-274C>T (NM_001257387.3); c.-160C>T (NM_001437942.1); c.597C>T, p.Thr199= (NM_001438293.1, NM_001438295.1); c.504C>T, p.Thr168= (NM_145862.3); c.445-142C>T (NM_001349956.3).
Identifiers: ClinVar variation 381959 (VCV000381959.1), dbSNP rs1057521221, ClinGen allele CA16608644.